The following is an entry in ClinVar:

ClinVar aggregate classification (germline): Uncertain significance (1 of 4 stars; one submission).

gnomAD v4.1: 25 of 1,614,056 alleles (0.0015%); highest among the groups gnomAD compares: Non-Finnish European, 0.002%; no homozygotes.

Submission:

Ambry Genetics
Classification: Uncertain significance. Last evaluated: 2026-03-09. Review status: criteria provided, single submitter. Criteria: Ambry Variant Classification Scheme 2023. Collection method: clinical testing. Allele origin: germline.
Comment: The c.9247C>T (p.R3083W) alteration is located in exon 9 (coding exon 8) of the ZFHX3 gene. This alteration results from a C to T substitution at nucleotide position 9247, causing the arginine (R) at amino acid position 3083 to be replaced by a tryptophan (W). Based on data from gnomAD, the T allele has an overall frequency of <0.001% (1/251446) total alleles studied. The highest observed frequency was 0.001% (1/113740) of European (non-Finnish) alleles. Based on insufficient or conflicting evidence, the clinical significance of this alteration remains unclear.

NM_006885.4(ZFHX3):c.9247C>T (p.Arg3083Trp)

Genes: ZFHX3 (zinc finger homeobox 3; minus strand), ZFHX3-AS1 (ZFHX3 antisense RNA 1; plus strand). Cytogenetic location: 16q22.2.
Variant type: single nucleotide variant.
Coding change: c.9247C>T on transcript NM_006885.4 (MANE Select); coding-DNA position 9247, C replaced by T.
Protein change: p.Arg3083Trp; replaces arginine 3083 with tryptophan.
Molecular consequence: missense variant.
Genome position (GRCh38, 1-based): chr16:72,793,435, G>A on the plus strand (C>T on the coding strand, the complement: ZFHX3 is on the minus strand). VCF-style: chr16-72793435-G-A. GRCh37 (hg19) VCF-style: chr16-72827334-G-A.
Other names: c.6505C>T, p.Arg2169Trp (NM_001164766.2); c.9247C>T, p.Arg3083Trp (NM_001386735.1); short protein forms R3083W, R2169W.
Identifiers: ClinVar variation 2508700 (VCV002508700.3), dbSNP rs769133893, ClinGen allele CA283667015.